The following is an entry in ClinVar:

ClinVar aggregate classification (germline): Uncertain significance (1 of 4 stars; one submission).

Conditions:
Hereditary cancer-predisposing syndrome. Also called: Hereditary Cancer Syndrome; Hereditary neoplastic syndrome; Neoplastic Syndromes, Hereditary; Tumor predisposition. Identifiers: Orphanet 140162, MedGen C0027672, MeSH D009386, MONDO:0015356.

Allele frequency attached by ClinVar (database versions not stated): gnomAD exomes below 0.00001.
gnomAD v4.1: 3 of 1,613,154 alleles (0.00019%); highest among the groups gnomAD compares: Non-Finnish European, 0.00025%; no homozygotes.

Submission:

Ambry Genetics
Classification: Uncertain significance for Hereditary cancer-predisposing syndrome. Last evaluated: 2025-09-12. Review status: criteria provided, single submitter. Criteria: Ambry Variant Classification Scheme 2023. Collection method: clinical testing. Allele origin: germline.
Comment: The c.1030+5A>C intronic variant results from an A to C substitution 5 nucleotides after coding exon 11 in the CDC73 gene. This nucleotide position is highly conserved in available vertebrate species. In silico splice site analysis predicts that this alteration will not have any significant effect on splicing. Since supporting evidence is limited at this time, the clinical significance of this alteration remains unclear.

NM_024529.5(CDC73):c.1030+5A>C

Gene: CDC73 (cell division cycle 73; plus strand). Cytogenetic location: 1q31.2.
Variant type: single nucleotide variant.
Coding change: c.1030+5A>C on transcript NM_024529.5 (MANE Select); 5 bases into the intron after coding-DNA position 1030, A replaced by C.
Molecular consequence: intron variant.
Genome position (GRCh38, 1-based): chr1:193,203,857, A>C. VCF-style: chr1-193203857-A-C. GRCh37 (hg19) VCF-style: chr1-193172987-A-C.
Identifiers: ClinVar variation 1770927 (VCV001770927.4), dbSNP rs2527440258, ClinGen allele CA2574103656.
Genomic context (GRCh38, chr1:193,203,857, plus strand): 5'-GGGTGCATCTGCCCGGAAGACTCAGACTCCTGCAGCCCAGCCAGTACCAAGACCAGGTAG[A>C]AATATAGAACTTTGCTTTTTGTTTTCTTTCAAAAGATCGTAACAGTGCAAGTTTTTAGTA-3'